The following is an entry in ClinVar:

NM_181332.3(NLGN4X):c.1201A>G (p.Asn401Asp)

Gene: NLGN4X (neuroligin 4 X-linked; minus strand). Cytogenetic location: Xp22.32.
Variant type: single nucleotide variant.
Coding change: c.1201A>G on transcript NM_181332.3 (MANE Select); coding-DNA position 1201, A replaced by G.
Protein change: p.Asn401Asp; replaces asparagine 401 with aspartic acid.
Molecular consequence: missense variant.
Genome position (GRCh38, 1-based): chrX:5,903,477, T>C on the plus strand (A>G on the coding strand, the complement: NLGN4X is on the minus strand). VCF-style: chrX-5903477-T-C. GRCh37 (hg19) VCF-style: chrX-5821518-T-C.
Other names: c.1201A>G, p.Asn401Asp (NM_001282145.2, NM_001282146.2, NM_001441322.1 and 4 more transcripts); short protein forms N401D.
Identifiers: ClinVar variation 5020192 (VCV005020192.1).

ClinVar aggregate classification (germline): Uncertain significance (1 of 4 stars; one submission).

Submission:

Dasa
Classification: Uncertain significance. Last evaluated: 2026-07-15. Review status: criteria provided, single submitter. Criteria: DASA Assertion Criteria. Collection method: clinical testing. Allele origin: germline.
Comment: NM_181332.3(NLGN4X):c.1201A>G (p.Asn401Asp) is a missense variant that results in the substitution of asparagine with aspartic acid. This variant is absent from population databases. Computational prediction algorithms are consistent with a benign effect. The currently available literature and clinical evidence are not sufficient to establish a definitive association between this variant and the reported condition. Therefore, this variant is classified as a variant of uncertain significance.